The following is an entry in ClinVar:

ClinVar aggregate classification (germline): Pathogenic (1 of 4 stars; one submission).

Submission:

ISCA site 4
Classification: Pathogenic. Last evaluated: 2011-08-12. Review status: criteria provided, single submitter. Criteria: Kaminsky et al. (Genet Med. 2011). Collection method: clinical testing. Allele origin: de novo. Affected: yes. Observed: 1 variant allele.
Comment: Copy number variation identified through the course of routine clinical cytogenomic testing in postnatal populations. Clinical assertions have been curated as described in Kaminsky et al. 2011.

GRCh38/hg38 2q22.1-22.3(chr2:140186521-146528244)x1

Genes: ARHGAP15 (Rho GTPase activating protein 15; plus strand), ARHGAP15-AS1 (ARHGAP15 antisense RNA 1; minus strand), GTDC1 (glycosyltransferase like domain containing 1; minus strand), KYNU (kynureninase; plus strand), LINC01412 (long intergenic non-protein coding RNA 1412; plus strand) and 47 more. Cytogenetic location: 2q22.1-22.3.
Variant type: copy number loss.
Change: copy number 1 (one copy instead of two) of chr2:140,186,521-146,528,244 (6.34 Mb, GRCh38 coordinates, 1-based), cytogenetic band 2q22.1-22.3.
Identifiers: ClinVar variation 57333 (VCV000057333.1).